The following is an entry in ClinVar:

NM_001009944.3(PKD1):c.1118_1119delinsGT (p.Leu373Arg)

Gene: PKD1 (polycystin 1, transient receptor potential channel interacting; minus strand). Cytogenetic location: 16p13.3.
Variant type: Indel.
Coding change: c.1118_1119delinsGT on transcript NM_001009944.3 (MANE Select); coding-DNA positions 1118 to 1119, TC replaced by GT.
Protein change: p.Leu373Arg; replaces leucine 373 with arginine.
Molecular consequence: missense variant.
Genome position (GRCh38, 1-based): chr16:2,117,873-2,117,874, GA replaced by AC on the plus strand (TC replaced by GT on the coding strand, the reverse complement: PKD1 is on the minus strand). VCF-style: chr16-2117873-GA-AC. GRCh37 (hg19) VCF-style: chr16-2167874-GA-AC.
Other names: c.1118_1119delinsGT, p.Leu373Arg (NM_000296.4); short protein forms L373R.
Identifiers: ClinVar variation 3066212 (VCV003066212.1), dbSNP rs2544877658, ClinGen allele CA2740098079.

ClinVar aggregate classification (germline): Uncertain significance (1 of 4 stars; one submission).

Conditions:
Polycystic kidney disease, adult type (PKD1). Also called: Polycystic Kidney, Autosomal Dominant; POLYCYSTIC KIDNEY DISEASE 1 WITH OR WITHOUT POLYCYSTIC LIVER DISEASE; Polycystic Kidney Disease 1, Autosomal Dominant; Polycystic kidney disease 1; Polycystic kidney disease 1, severe; POLYCYSTIC KIDNEY DISEASE, ADULT, TYPE I. Identifiers: MedGen C3149841, MONDO:0008263, OMIM 173900.

Submission:

MVZ Medizinische Genetik Mainz
Classification: Uncertain significance for Polycystic kidney disease, adult type. Last evaluated: 2022-09-14. Review status: criteria provided, single submitter. Criteria: UK Practice Guidelines For Variant Classification V4 01 2020. Collection method: clinical testing. Allele origin: germline. Inheritance: Autosomal dominant inheritance. Affected: yes. Observed: 2 variant alleles.
Comment: ACMG Criteria: PM2_SUP, PP4 (ACMG Version 3)